The following is an entry in ClinVar:

NM_005228.5(EGFR):c.2284-18G>A

Genes: EGFR (epidermal growth factor receptor; plus strand), EGFR-AS1 (EGFR antisense RNA 1; minus strand). Cytogenetic location: 7p11.2.
Variant type: single nucleotide variant.
Coding change: c.2284-18G>A on transcript NM_005228.5 (MANE Select); 18 bases into the intron before coding-DNA position 2284, G replaced by A.
Molecular consequence: intron variant. On other transcripts: non-coding transcript variant (1).
Genome position (GRCh38, 1-based): chr7:55,181,275, G>A. VCF-style: chr7-55181275-G-A. GRCh37 (hg19) VCF-style: chr7-55248968-G-A.
Other names: c.2149-18G>A (NM_001346899.2, NM_001346897.2); c.1483-18G>A (NM_001346941.2); c.2284-18G>A (NM_001346898.2); c.2125-18G>A (NM_001346900.2).
Identifiers: ClinVar variation 3680187 (VCV003680187.3).

ClinVar aggregate classification (germline): Likely benign. Review status: criteria provided, multiple submitters, no conflicts (2 of 4 stars). 2 submissions from 2 submitters: Likely benign (2). Last evaluated 2024-11-12.

Conditions:
Lung cancer. Also called: Lung cancer, somatic; Malignant tumor of lung. Identifiers: MedGen C0242379, MONDO:0008903, OMIM 211980.
EGFR-related lung cancer (EGFR). Identifiers: MedGen CN130014.

gnomAD v4.1: 2 of 1,613,884 alleles (0.00012%); highest among the groups gnomAD compares: Middle Eastern, 0.034%; no homozygotes.

Submissions (2):

Labcorp Genetics (formerly Invitae), Labcorp
Classification: Likely benign for EGFR-related lung cancer. Last evaluated: 2024-11-12. Review status: criteria provided, single submitter. Criteria: Invitae Variant Classification Sherloc (09022015). Collection method: clinical testing. Allele origin: germline.

Myriad Genetics, Inc.
Classification: Likely benign for Lung cancer. Last evaluated: 2024-10-16. Review status: criteria provided, single submitter. Criteria: Myriad Autosomal Dominant, Autosomal Recessive and X-Linked Classification Criteria (2023). Collection method: clinical testing. Allele origin: unknown.
Comment: This variant is considered likely benign. This variant is intronic and is not expected to impact mRNA splicing.